The following is an entry in ClinVar:

NM_004991.4(MECOM):c.2053A>G (p.Lys685Glu)

Gene: MECOM (MDS1 and EVI1 complex locus; minus strand). Cytogenetic location: 3q26.2.
Variant type: single nucleotide variant.
Coding change: c.2053A>G on transcript NM_004991.4 (MANE Select); coding-DNA position 2053, A replaced by G.
Protein change: p.Lys685Glu; replaces lysine 685 with glutamic acid.
Molecular consequence: missense variant. On other transcripts: intron variant (2).
Genome position (GRCh38, 1-based): chr3:169,115,819, T>C on the plus strand (A>G on the coding strand, the complement: MECOM is on the minus strand). VCF-style: chr3-169115819-T-C. GRCh37 (hg19) VCF-style: chr3-168833607-T-C.
Other names: c.1684A>G, p.Lys562Glu (NM_001105077.4); c.1489A>G, p.Lys497Glu (NM_001105078.4, NM_001164000.2, NM_001205194.2 and 4 more transcripts); c.1492A>G, p.Lys498Glu (NM_001163999.2, NM_001366467.2, NM_001366468.2 and 1 more transcripts); c.2053A>G, p.Lys685Glu (NM_001366466.2); c.1133-52A>G (NM_001366473.2); c.569-52A>G (NM_001366474.2); short protein forms K497E, K498E, K562E, K685E.
Identifiers: ClinVar variation 4053270 (VCV004053270.1).

ClinVar aggregate classification (germline): Uncertain significance (1 of 4 stars; one submission).

Conditions:
Inborn genetic diseases. Identifiers: MedGen C0950123, MeSH D030342.

gnomAD v4.1: 2 of 1,614,110 alleles (0.00012%); highest among the groups gnomAD compares: Non-Finnish European, 0.00017%; no homozygotes.

Submission:

Ambry Genetics
Classification: Uncertain significance for Inborn genetic diseases. Last evaluated: 2025-05-19. Review status: criteria provided, single submitter. Criteria: Ambry Variant Classification Scheme 2023. Collection method: clinical testing. Allele origin: germline.
Comment: The p.K685E variant (also known as c.2053A>G), located in coding exon 8 of the MECOM gene, results from an A to G substitution at nucleotide position 2053. The lysine at codon 685 is replaced by glutamic acid, an amino acid with similar properties. This amino acid position is conserved. In addition, the in silico prediction for this alteration is inconclusive. Based on the available evidence, the clinical significance of this variant remains unclear.